The following is an entry in ClinVar:

NM_002224.4(ITPR3):c.2226C>T (p.Asp742=)

Gene: ITPR3 (inositol 1,4,5-trisphosphate receptor type 3; plus strand). Cytogenetic location: 6p21.31.
Variant type: single nucleotide variant.
Coding change: c.2226C>T on transcript NM_002224.4 (MANE Select); coding-DNA position 2226, C replaced by T.
Protein change: p.Asp742=; no amino-acid change (aspartic acid 742 retained).
Molecular consequence: synonymous variant.
Genome position (GRCh38, 1-based): chr6:33,670,361, C>T. VCF-style: chr6-33670361-C-T. GRCh37 (hg19) VCF-style: chr6-33638138-C-T.
Identifiers: ClinVar variation 3052627 (VCV003052627.8), dbSNP rs2229633, ClinGen allele CA3760524.

ClinVar aggregate classification (germline): Likely benign. Review status: criteria provided, single submitter (1 of 4 stars). 2 submissions from 2 submitters: Likely benign (1). 1 of the submissions does not count toward it. Last evaluated 2025-11-01.

Conditions:
ITPR3-related disorder. Also called: ITPR3-related condition.

Allele frequency attached by ClinVar (database versions not stated): 1000 Genomes Project 0.00100; 1000 Genomes Project 30x 0.00109.
gnomAD v4.1: 841 of 1,614,120 alleles (0.052%); highest among the groups gnomAD compares: African/African-American, 0.62%; 4 homozygotes.

Submissions (2):

CeGaT Center for Human Genetics Tuebingen
Classification: Likely benign. Last evaluated: 2025-11-01. Review status: criteria provided, single submitter. Criteria: CeGaT Center For Human Genetics Tuebingen Variant Classification Criteria Version 2. Collection method: clinical testing. Allele origin: germline. Affected: yes. Observed: 1 variant allele.
Comment: ITPR3: BP4, BP7

PreventionGenetics, part of Exact Sciences
Classification: Likely benign for ITPR3-related condition. Last evaluated: 2019-04-05. Review status: no assertion criteria provided. Collection method: clinical testing. Allele origin: germline. Not counted in ClinVar's aggregate classification.
Comment: This variant is classified as likely benign based on ACMG/AMP sequence variant interpretation guidelines (Richards et al. 2015 PMID: 25741868, with internal and published modifications).